The following is an entry in ClinVar:

NM_000268.4(NF2):c.1341-1G>A

Gene: NF2 (NF2, moesin-ezrin-radixin like (MERLIN) tumor suppressor; plus strand). Cytogenetic location: 22q12.2.
Variant type: single nucleotide variant.
Coding change: c.1341-1G>A on transcript NM_000268.4 (MANE Select); the canonical splice acceptor site of the intron before coding-DNA position 1341, G replaced by A.
Molecular consequence: splice acceptor variant. On other transcripts: intron variant (1).
Genome position (GRCh38, 1-based): chr22:29,674,835, G>A. VCF-style: chr22-29674835-G-A. GRCh37 (hg19) VCF-style: chr22-30070824-G-A.
Other names: c.1218-1G>A (NM_001407054.1, NM_001407058.1, NM_181829.3); c.1083-1G>A (NM_001407062.1); c.1215-1G>A (NM_181828.3, NM_001407055.1); c.1092-1G>A (NM_001407063.1, NM_181830.3, NM_001407064.1 and 1 more transcripts); c.1341-1G>A (NM_001407066.1, NM_181825.3, NM_016418.5 and 2 more transcripts); c.1227-1G>A (NM_001407056.1, NM_001407053.1); c.1110-1G>A (NM_001407067.1); c.807-1G>A (NM_001407065.1); and 2 more.
Identifiers: ClinVar variation 1354127 (VCV001354127.6), dbSNP rs2147091894, ClinGen allele CA411148806.

ClinVar aggregate classification (germline): Pathogenic (1 of 4 stars; one submission).

Conditions:
Neurofibromatosis, type 2 (SWNV). Also called: SCHWANNOMATOSIS, VESTIBULAR; NF2-Related Schwannomatosis; BILATERAL ACOUSTIC NEUROFIBROMATOSIS. Identifiers: Orphanet 637, MedGen C0027832, MONDO:0007039, OMIM 101000. Disease mechanism: loss of function.

Submission:

Labcorp Genetics (formerly Invitae), Labcorp
Classification: Pathogenic for Neurofibromatosis, type 2. Last evaluated: 2021-09-18. Review status: criteria provided, single submitter. Criteria: Invitae Variant Classification Sherloc (09022015). Collection method: clinical testing. Allele origin: germline.
Comment: This sequence change affects an acceptor splice site in intron 12 of the NF2 gene. It is expected to disrupt RNA splicing. Variants that disrupt the donor or acceptor splice site typically lead to a loss of protein function (PMID: 16199547), and loss-of-function variants in NF2 are known to be pathogenic (PMID: 9643284, 16983642). This variant is not present in population databases (ExAC no frequency). Disruption of this splice site has been observed in individuals with neurofibromatosis type 2 (PMID: 8755919, 21563229). Algorithms developed to predict the effect of sequence changes on RNA splicing suggest that this variant may disrupt the consensus splice site. For these reasons, this variant has been classified as Pathogenic.

Literature cited by the submitters: PubMed 16199547; PubMed 9643284; PubMed 16983642; PubMed 8755919; PubMed 21563229.